The following is an entry in ClinVar:

ClinVar aggregate classification (germline): Conflicting classifications of pathogenicity. Review status: criteria provided, conflicting classifications (1 of 4 stars). 2 submissions from 2 submitters: Likely pathogenic (1); Uncertain significance (1). Last evaluated 2026-01-26.

Conditions:
Recessive dystrophic epidermolysis bullosa (RDEB). Also called: Recessive DEB (RDEB); DYSTROPHIC EPIDERMOLYSIS BULLOSA, AUTOSOMAL RECESSIVE; EPIDERMOLYSIS BULLOSA DYSTROPHICA, HALLOPEAU-SIEMENS TYPE; epidermolysis bullosa dystrophica, autosomal recessive; Hallopeau-Siemens Disease; severe generalized recessive dystrophic epidermolysis bullosa. Identifiers: Orphanet 79408, Orphanet 79409, MedGen C0079474, MONDO:0009179, OMIM 226600.

Allele frequency attached by ClinVar (database versions not stated): gnomAD exomes below 0.00001; ExAC 0.00001.
gnomAD v4.1: 1 of 1,609,822 alleles (0.000062%); highest among the groups gnomAD compares: Non-Finnish European, 0.000085%; no homozygotes.

Submissions (2):

Myriad Genetics, Inc.
Classification: Likely pathogenic for Recessive dystrophic epidermolysis bullosa. Last evaluated: 2026-01-26. Review status: criteria provided, single submitter. Criteria: Myriad Autosomal Dominant, Autosomal Recessive and X-Linked Classification Criteria (2023). Collection method: clinical testing. Allele origin: unknown.
Comment: NM_000094.3(COL7A1):c.6074G>C(G2025A) is a missense variant classified as likely pathogenic in the context of dystrophic epidermolysis bullosa. G2025A has been observed in a case with relevant disease (PMID: 9326325). Relevant functional assessments of this variant are not available in the literature. Internal structural analysis of the variant is supportive of pathogenicity. G2025A has not been observed in referenced population frequency databases. In summary, NM_000094.3(COL7A1):c.6074G>C(G2025A) is a missense variant that has internal structural support for pathogenicity and has been observed more frequently in cases with the relevant disease than in healthy populations. Please note: this variant was assessed in the context of healthy population screening.

Labcorp Genetics (formerly Invitae), Labcorp
Classification: Uncertain significance. Last evaluated: 2024-06-10. Review status: criteria provided, single submitter. Criteria: Invitae Variant Classification Sherloc (09022015). Collection method: clinical testing. Allele origin: germline.
Comment: This sequence change replaces glycine, which is neutral and non-polar, with alanine, which is neutral and non-polar, at codon 2025 of the COL7A1 protein (p.Gly2025Ala). The frequency data for this variant in the population databases is considered unreliable, as metrics indicate poor data quality at this position in the gnomAD database. This missense change has been observed in individual(s) with autosomal recessive dystrophic epidermolysis bullosa (PMID: 9326325). Advanced modeling of protein sequence and biophysical properties (such as structural, functional, and spatial information, amino acid conservation, physicochemical variation, residue mobility, and thermodynamic stability) performed at Invitae indicates that this missense variant is expected to disrupt COL7A1 protein function with a positive predictive value of 95%. This variant disrupts the triple helix domain of COL7A1. Glycine residues within the Gly-Xaa-Yaa repeats of the triple helix domain are required for the structure and stability of fibrillar collagens (PMID: 7695699, 8218237, 19344236), and variants at these glycine residues in COL7A1 are more frequently observed in individuals with disease than in the general population (PMID: 22058051). However, the clinical significance of this observation remains uncertain since only a limited number of affected individuals have been described to date. This variant disrupts the p.Gly2025 amino acid residue in COL7A1. Other variant(s) that disrupt this residue have been observed in individuals with COL7A1-related conditions (PMID: 35979658), which suggests that this may be a clinically significant amino acid residue. In summary, the available evidence is currently insufficient to determine the role of this variant in disease. Therefore, it has been classified as a Variant of Uncertain Significance.

Literature cited by the submitters: PubMed 9326325 (cited by Myriad Genetics, Inc. and Labcorp Genetics (formerly Invitae), Labcorp); PubMed 7695699 (cited by Labcorp Genetics (formerly Invitae), Labcorp); PubMed 8218237 (cited by Labcorp Genetics (formerly Invitae), Labcorp); PubMed 19344236 (cited by Labcorp Genetics (formerly Invitae), Labcorp); PubMed 22058051 (cited by Labcorp Genetics (formerly Invitae), Labcorp); PubMed 35979658 (cited by Labcorp Genetics (formerly Invitae), Labcorp).

NM_000094.4(COL7A1):c.6074G>C (p.Gly2025Ala)

Gene: COL7A1 (collagen type VII alpha 1 chain; minus strand). Cytogenetic location: 3p21.31.
Variant type: single nucleotide variant.
Coding change: c.6074G>C on transcript NM_000094.4 (MANE Select); coding-DNA position 6074, G replaced by C.
Protein change: p.Gly2025Ala; replaces glycine 2025 with alanine.
Molecular consequence: missense variant.
Genome position (GRCh38, 1-based): chr3:48,575,445, C>G on the plus strand (G>C on the coding strand, the complement: COL7A1 is on the minus strand). VCF-style: chr3-48575445-C-G. GRCh37 (hg19) VCF-style: chr3-48612878-C-G.
Other names: short protein forms G2025A.
Identifiers: ClinVar variation 2734512 (VCV002734512.4), dbSNP rs766931219, ClinGen allele CA2379203.